The following is an entry in ClinVar:

ClinVar aggregate classification (germline): Uncertain significance (1 of 4 stars; one submission).

gnomAD v4.1: 2 of 1,612,022 alleles (0.00012%); highest among the groups gnomAD compares: South Asian, 0.0022%; no homozygotes.

Submission:

Labcorp Genetics (formerly Invitae), Labcorp
Classification: Uncertain significance. Last evaluated: 2025-10-29. Review status: criteria provided, single submitter. Criteria: Invitae Variant Classification Sherloc (09022015). Collection method: clinical testing. Allele origin: germline.
Comment: This sequence change replaces alanine, which is neutral and non-polar, with valine, which is neutral and non-polar, at codon 116 of the PSMG2 protein (p.Ala116Val). The frequency data for this variant in the population databases is considered unreliable, as metrics indicate poor data quality at this position in the gnomAD database. This variant has not been reported in the literature in individuals affected with PSMG2-related conditions. An algorithm developed to predict the effect of missense changes on protein structure and function (PolyPhen-2) suggests that this variant is likely to be tolerated. In summary, the available evidence is currently insufficient to determine the role of this variant in disease. Therefore, it has been classified as a Variant of Uncertain Significance.

NM_020232.5(PSMG2):c.347C>T (p.Ala116Val)

Gene: PSMG2 (proteasome assembly chaperone 2; plus strand). Cytogenetic location: 18p11.21.
Variant type: single nucleotide variant.
Coding change: c.347C>T on transcript NM_020232.5 (MANE Select); coding-DNA position 347, C replaced by T.
Protein change: p.Ala116Val; replaces alanine 116 with valine.
Molecular consequence: missense variant.
Genome position (GRCh38, 1-based): chr18:12,718,575, C>T. VCF-style: chr18-12718575-C-T. GRCh37 (hg19) VCF-style: chr18-12718574-C-T.
Other names: c.254C>T, p.Ala85Val (NM_147163.2); short protein forms A116V, A85V.
Identifiers: ClinVar variation 4782183 (VCV004782183.1).